The following is an entry in ClinVar:

NM_001320.7(CSNK2B):c.142C>T (p.Gln48Ter)

Gene: CSNK2B (casein kinase 2 beta; plus strand). Cytogenetic location: 6p21.33.
Variant type: single nucleotide variant.
Coding change: c.142C>T on transcript NM_001320.7 (MANE Select); coding-DNA position 142, C replaced by T.
Protein change: p.Gln48Ter; replaces glutamine 48 with a stop codon.
Molecular consequence: nonsense.
Genome position (GRCh38, 1-based): chr6:31,667,937, C>T. VCF-style: chr6-31667937-C-T. GRCh37 (hg19) VCF-style: chr6-31635714-C-T.
Other names: c.142C>T, p.Gln48Ter (NM_001282385.2); short protein forms Q48*.
Identifiers: ClinVar variation 4813315 (VCV004813315.1).

ClinVar aggregate classification (germline): Pathogenic (1 of 4 stars; one submission).

Conditions:
Poirier-Bienvenu neurodevelopmental syndrome (POBINDS). Identifiers: Orphanet 689397, MedGen C5231482, MONDO:0032889, OMIM 618732.

Submission:

Division of Genetic & Genomic Pathology, Hong Kong Children's Hospital
Classification: Pathogenic for Poirier-Bienvenu neurodevelopmental syndrome. Last evaluated: 2024-02-04. Review status: criteria provided, single submitter. Criteria: ACMG Guidelines, 2015. Collection method: clinical testing. Allele origin: germline. Affected: yes.
Comment: The nonsense variant CSNK2B c.142C>T p.(Gln48Ter) is predicted to result in premature termination codon and nonsense mediated decay in a gene where loss-of-function is thought to be disease causing (PMID: 30655572). It is absent in population controls (gnomAD v4.0.0). The variant has been reported in multiple patients affected by POBINDS and was shown to segregate with disease (PMID: 35774559, 37020656, 37717460). For these reasons, the variant c.142C>T is classified as pathogenic.

Literature cited by the submitters: PubMed 30655572; PubMed 35774559; PubMed 37020656; PubMed 37717460.